The following is an entry in ClinVar:

ClinVar aggregate classification (germline): Pathogenic (1 of 4 stars; one submission).

Submission:

Labcorp Genetics (formerly Invitae), Labcorp
Classification: Pathogenic. Last evaluated: 2023-11-13. Review status: criteria provided, single submitter. Criteria: Invitae Variant Classification Sherloc (09022015). Collection method: clinical testing. Allele origin: germline.
Comment: This variant is a gross deletion of the genomic region encompassing exon(s) 18-20 of the EMC1 gene. This deletion is out-of-frame, and is expected to create a premature termination codon and result in an absent or disrupted protein product. Loss-of-function variants in EMC1 are known to be pathogenic (PMID: 26572623, 26942288, 29271071). This variant has not been reported in the literature in individuals affected with EMC1-related conditions. For these reasons, this variant has been classified as Pathogenic.

Literature cited by the submitters: PubMed 26572623; PubMed 26942288; PubMed 29271071.

NC_000001.10:g.(?_19549098)_(19553964_?)del

Gene: EMC1 (ER membrane protein complex subunit 1; minus strand). Cytogenetic location: 1p36.13.
Variant type: Deletion.
Identifiers: ClinVar variation 1456458 (VCV001456458.5).